The following is an entry in ClinVar:

NM_006648.4(WNK2):c.4310C>A (p.Ala1437Glu)

Gene: WNK2 (WNK lysine deficient protein kinase 2; plus strand). Cytogenetic location: 9q22.31.
Variant type: single nucleotide variant.
Coding change: c.4310C>A on transcript NM_006648.4 (MANE Select); coding-DNA position 4310, C replaced by A.
Protein change: p.Ala1437Glu; replaces alanine 1437 with glutamic acid.
Molecular consequence: missense variant.
Genome position (GRCh38, 1-based): chr9:93,289,064, C>A. VCF-style: chr9-93289064-C-A. GRCh37 (hg19) VCF-style: chr9-96051346-C-A.
Other names: c.4421C>A, p.Ala1474Glu (NM_001282394.3); short protein forms A1474E, A1437E.
Identifiers: ClinVar variation 3470131 (VCV003470131.1).
Genomic context (GRCh38, chr9:93,289,064, plus strand): 5'-CAGGGGGTCCAGGGACACCTCAGGGGCTGACCAGTGAGCTCGAGACGTCTCAGCCACTAG[C>A]GGAGACTCACGAGGCCCCGCTTGCTGTGCAGCCCCTCGTGGTGGGCCTAGCACCTTGCAC-3'
Protein context (NP_006639.3, residues 1427-1447): TSELETSQPL[Ala1437Glu]ETHEAPLAVQ

ClinVar aggregate classification (germline): Uncertain significance (1 of 4 stars; one submission).

gnomAD v4.1: 264 of 1,606,604 alleles (0.016%); highest among the groups gnomAD compares: South Asian, 0.2%; 3 homozygotes.

Submission:

Ambry Genetics
Classification: Uncertain significance. Last evaluated: 2024-10-17. Review status: criteria provided, single submitter. Criteria: Ambry Variant Classification Scheme 2023. Collection method: clinical testing. Allele origin: germline.
Comment: The p.A1437E variant (also known as c.4310C>A), located in coding exon 19 of the WNK2 gene, results from a C to A substitution at nucleotide position 4310. The alanine at codon 1437 is replaced by glutamic acid, an amino acid with dissimilar properties. This amino acid position is conserved. In addition, this alteration is predicted to be tolerated by in silico analysis. Based on the available evidence, the clinical significance of this variant remains unclear.